The following is an entry in ClinVar:

ClinVar aggregate classification (germline): Uncertain significance (1 of 4 stars; one submission).

Submission:

GeneDx
Classification: Uncertain significance. Last evaluated: 2025-05-14. Review status: criteria provided, single submitter. Criteria: GeneDx Variant Classification Process June 2021. Collection method: clinical testing. Allele origin: germline. Affected: yes.
Comment: Not observed at significant frequency in large population cohorts (gnomAD); In silico analysis supports that this missense variant has a deleterious effect on protein structure/function; Has not been previously published as pathogenic or benign to our knowledge

NM_015346.4(ZFYVE26):c.4469G>A (p.Cys1490Tyr)

Gene: ZFYVE26 (zinc finger FYVE-type containing 26; minus strand). Cytogenetic location: 14q24.1.
Variant type: single nucleotide variant.
Coding change: c.4469G>A on transcript NM_015346.4 (MANE Select); coding-DNA position 4469, G replaced by A.
Protein change: p.Cys1490Tyr; replaces cysteine 1490 with tyrosine.
Molecular consequence: missense variant.
Genome position (GRCh38, 1-based): chr14:67,781,433, C>T on the plus strand (G>A on the coding strand, the complement: ZFYVE26 is on the minus strand). VCF-style: chr14-67781433-C-T. GRCh37 (hg19) VCF-style: chr14-68248150-C-T.
Other names: short protein forms C1490Y.
Identifiers: ClinVar variation 4529522 (VCV004529522.1).